The following is an entry in ClinVar:

NM_000344.4(SMN1):c.618A>G (p.Gly206=)

Gene: SMN1 (survival of motor neuron 1, telomeric). Cytogenetic location: 5q13.2.
Variant type: single nucleotide variant.
Coding change: c.618A>G on transcript NM_000344.4 (MANE Select); coding-DNA position 618, A replaced by G.
Protein change: p.Gly206=; no amino-acid change (glycine 206 retained).
Molecular consequence: synonymous variant.
Genome position (GRCh38, 1-based): chr5:70,942,861, A>G. VCF-style: chr5-70942861-A-G. GRCh37 (hg19) VCF-style: chr5-70238688-A-G.
Other names: c.618A>G, p.Gly206= (NM_001297715.1, NM_022874.2).
Identifiers: ClinVar variation 2684389 (VCV002684389.1), dbSNP rs2532113048, ClinGen allele CA444969541.
Genomic context (GRCh38, chr5:70,942,861, plus strand): 5'-ATCTGCTCCATGGAACTCTTTTCTCCCTCCACCACCCCCCATGCCAGGGCCAAGACTGGG[A>G]CCAGGAAAGGTAAACCTTCTATGAAAGTTTTCCAGAAAATAGTTAATGTCGGGACATTTA-3'
Protein context (NP_000335.1, residues 196-216): PPPPMPGPRL[Gly206=]PGKPGLKFNG

ClinVar aggregate classification (germline): Uncertain significance (1 of 4 stars; one submission).

Submission:

Athena Diagnostics
Classification: Uncertain significance. Last evaluated: 2022-12-27. Review status: criteria provided, single submitter. Criteria: Athena Diagnostics Criteria. Collection method: clinical testing. Allele origin: unknown.
Comment: Available data are insufficient to determine the clinical significance of the variant at this time. Frequency data for this variant in the general population cannot be distinguished from that of the SMN2 gene, and is therefore uninformative in assessment of variant pathogenicity (Genome Aggregation Database (gnomAD), Cambridge, MA (URL)). Computational tools yielded predictions that this variant is unlikely to have an effect on normal RNA splicing.